The following is an entry in ClinVar:

NM_000165.5(GJA1):c.92T>G (p.Ile31Ser)

Gene: GJA1 (gap junction protein alpha 1; plus strand). Cytogenetic location: 6q22.31.
Variant type: single nucleotide variant.
Coding change: c.92T>G on transcript NM_000165.5 (MANE Select); coding-DNA position 92, T replaced by G.
Protein change: p.Ile31Ser; replaces isoleucine 31 with serine.
Molecular consequence: missense variant.
Genome position (GRCh38, 1-based): chr6:121,446,939, T>G. VCF-style: chr6-121446939-T-G. GRCh37 (hg19) VCF-style: chr6-121768085-T-G.
Other names: short protein forms I31S.
Identifiers: ClinVar variation 3650020 (VCV003650020.2).

ClinVar aggregate classification (germline): Uncertain significance (1 of 4 stars; one submission).

Conditions:
Oculodentodigital dysplasia, autosomal recessive. Also called: OCULODENTOOSSEOUS DYSPLASIA, AUTOSOMAL RECESSIVE; ODDD, AUTOSOMAL RECESSIVE; ODOD, AUTOSOMAL RECESSIVE. Identifiers: Orphanet 2710, MedGen C2749477, MONDO:0009768, OMIM 257850.

Submission:

Labcorp Genetics (formerly Invitae), Labcorp
Classification: Uncertain significance for Oculodentodigital dysplasia, autosomal recessive. Last evaluated: 2025-07-14. Review status: criteria provided, single submitter. Criteria: Invitae Variant Classification Sherloc (09022015). Collection method: clinical testing. Allele origin: germline.
Comment: This sequence change replaces isoleucine, which is neutral and non-polar, with serine, which is neutral and polar, at codon 31 of the GJA1 protein (p.Ile31Ser). This variant is not present in population databases (gnomAD no frequency). This variant has not been reported in the literature in individuals affected with GJA1-related conditions. ClinVar contains an entry for this variant (Variation ID: 3650020). Invitae Evidence Modeling of protein sequence and biophysical properties (such as structural, functional, and spatial information, amino acid conservation, physicochemical variation, residue mobility, and thermodynamic stability) indicates that this missense variant is expected to disrupt GJA1 protein function with a positive predictive value of 95%. This variant disrupts the p.Ile31 amino acid residue in GJA1. Other variant(s) that disrupt this residue have been observed in individuals with GJA1-related conditions (PMID: 14729836, 30767687, 31023660), which suggests that this may be a clinically significant amino acid residue. In summary, the available evidence is currently insufficient to determine the role of this variant in disease. Therefore, it has been classified as a Variant of Uncertain Significance.

Literature cited by the submitters: PubMed 14729836; PubMed 30767687; PubMed 31023660.